The following is an entry in ClinVar:

ClinVar aggregate classification (germline): Uncertain significance (1 of 4 stars; one submission).

Conditions:
Familial adenomatous polyposis 1 (FAP1). Also called: POLYPOSIS, ADENOMATOUS INTESTINAL; FAMILIAL ADENOMATOUS POLYPOSIS 1, ATTENUATED. Identifiers: MedGen C2713442, MONDO:0021056, OMIM 175100. Disease mechanism: loss of function.

Submission:

Labcorp Genetics (formerly Invitae), Labcorp
Classification: Uncertain significance for Familial adenomatous polyposis 1. Last evaluated: 2017-02-07. Review status: criteria provided, single submitter. Criteria: Invitae Variant Classification Sherloc (09022015). Collection method: clinical testing. Allele origin: germline.
Comment: This sequence change replaces alanine with proline at codon 2638 of the APC protein (p.Ala2638Pro). The alanine residue is moderately conserved and there is a small physicochemical difference between alanine and proline. This variant is not present in population databases (ExAC no frequency) and has not been reported in the literature in individuals with a APC-related disease. Algorithms developed to predict the effect of missense changes on protein structure and function (SIFT, PolyPhen-2, Align-GVGD) all suggest that this variant is likely to be tolerated, but these predictions have not been confirmed by published functional studies. In summary, this variant is a novel missense change that is not predicted to affect protein function. There is no indication that it causes disease, but the available evidence is currently insufficient to prove that conclusively. Therefore, it has been classified as a Variant of Uncertain Significance.

NM_000038.6(APC):c.7912G>C (p.Ala2638Pro)

Gene: APC (APC regulator of Wnt signaling pathway; plus strand). Cytogenetic location: 5q22.2.
Variant type: single nucleotide variant.
Coding change: c.7912G>C on transcript NM_000038.6 (MANE Select); coding-DNA position 7912, G replaced by C.
Protein change: p.Ala2638Pro; replaces alanine 2638 with proline.
Molecular consequence: missense variant.
Genome position (GRCh38, 1-based): chr5:112,843,506, G>C. VCF-style: chr5-112843506-G-C. GRCh37 (hg19) VCF-style: chr5-112179203-G-C.
Other names: c.7912G>C, p.Ala2638Pro (NM_001127510.3, NM_001354895.2); c.7858G>C, p.Ala2620Pro (NM_001127511.3); c.7966G>C, p.Ala2656Pro (NM_001354896.2); c.7942G>C, p.Ala2648Pro (NM_001354897.2); c.7837G>C, p.Ala2613Pro (NM_001354898.2); c.7828G>C, p.Ala2610Pro (NM_001354899.2); c.7789G>C, p.Ala2597Pro (NM_001354900.2); c.7735G>C, p.Ala2579Pro (NM_001354901.2); and 5 more; short protein forms A2620P, A2638P, A2579P, A2597P, A2613P, A2355P, A2512P, A2537P.
Identifiers: ClinVar variation 470115 (VCV000470115.10), dbSNP rs1554088749, ClinGen allele CA16038514.